The following is an entry in ClinVar:

ClinVar aggregate classification (germline): Uncertain significance (1 of 4 stars; one submission).

Submission:

Ambry Genetics
Classification: Uncertain significance. Last evaluated: 2024-02-25. Review status: criteria provided, single submitter. Criteria: Ambry Variant Classification Scheme 2023. Collection method: clinical testing. Allele origin: germline.
Comment: The p.C390R variant (also known as c.1168T>C), located in coding exon 9 of the RINT1 gene, results from a T to C substitution at nucleotide position 1168. The cysteine at codon 390 is replaced by arginine, an amino acid with highly dissimilar properties. This amino acid position is conserved. In addition, this alteration is predicted to be tolerated by in silico analysis. Based on the available evidence, the clinical significance of this alteration remains unclear.

NM_021930.6(RINT1):c.1168T>C (p.Cys390Arg)

Gene: RINT1 (RAD50 interactor 1; plus strand). Cytogenetic location: 7q22.3.
Variant type: single nucleotide variant.
Coding change: c.1168T>C on transcript NM_021930.6 (MANE Select); coding-DNA position 1168, T replaced by C.
Protein change: p.Cys390Arg; replaces cysteine 390 with arginine.
Molecular consequence: missense variant. On other transcripts: non-coding transcript variant (1).
Genome position (GRCh38, 1-based): chr7:105,550,321, T>C. VCF-style: chr7-105550321-T-C. GRCh37 (hg19) VCF-style: chr7-105190768-T-C.
Other names: c.934T>C, p.Cys312Arg (NM_001346599.2); c.145T>C, p.Cys49Arg (NM_001346600.2, NM_001346603.2); c.244T>C, p.Cys82Arg (NM_001346601.2); short protein forms C312R, C390R, C49R, C82R.
Identifiers: ClinVar variation 3227590 (VCV003227590.1), dbSNP rs1790871880, ClinGen allele CA368809006.
Genomic context (GRCh38, chr7:105,550,321, plus strand): 5'-CTTGAATTTTCTCGGGGCCTTATGATGCTGGTTCTTGAGAAGTTAGCCACTGATATTCCT[T>C]GTCTGCTATATGATGACAATCTCTTCTGTCATTTGGTGGATGAAGTACTCTTGTTTGAAA-3'
Protein context (NP_068749.3, residues 380-400): VLEKLATDIP[Cys390Arg]LLYDDNLFCH